The following is an entry in ClinVar:

NM_006662.3(SRCAP):c.2896C>T (p.Arg966Trp)

Gene: SRCAP (Snf2 related CREBBP activator protein; plus strand). Cytogenetic location: 16p11.2.
Variant type: single nucleotide variant.
Coding change: c.2896C>T on transcript NM_006662.3 (MANE Select); coding-DNA position 2896, C replaced by T.
Protein change: p.Arg966Trp; replaces arginine 966 with tryptophan.
Molecular consequence: missense variant.
Genome position (GRCh38, 1-based): chr16:30,720,240, C>T. VCF-style: chr16-30720240-C-T. GRCh37 (hg19) VCF-style: chr16-30731561-C-T.
Other names: short protein forms R966W.
Identifiers: ClinVar variation 3682729 (VCV003682729.2).

ClinVar aggregate classification (germline): Uncertain significance (1 of 4 stars; one submission).

gnomAD v4.1: 5 of 1,614,024 alleles (0.00031%); highest among the groups gnomAD compares: East Asian, 0.0022%; no homozygotes.

Submission:

Labcorp Genetics (formerly Invitae), Labcorp
Classification: Uncertain significance. Last evaluated: 2024-04-25. Review status: criteria provided, single submitter. Criteria: Invitae Variant Classification Sherloc (09022015). Collection method: clinical testing. Allele origin: germline.
Comment: This sequence change replaces arginine, which is basic and polar, with tryptophan, which is neutral and slightly polar, at codon 966 of the SRCAP protein (p.Arg966Trp). This variant is present in population databases (rs371592173, gnomAD 0.003%). This variant has not been reported in the literature in individuals affected with SRCAP-related conditions. Advanced modeling of protein sequence and biophysical properties (such as structural, functional, and spatial information, amino acid conservation, physicochemical variation, residue mobility, and thermodynamic stability) performed at Invitae indicates that this missense variant is not expected to disrupt SRCAP protein function with a negative predictive value of 80%. In summary, the available evidence is currently insufficient to determine the role of this variant in disease. Therefore, it has been classified as a Variant of Uncertain Significance.